The following is an entry in ClinVar:

NM_000320.3(QDPR):c.545C>G (p.Pro182Arg)

Gene: QDPR (quinoid dihydropteridine reductase; minus strand). Cytogenetic location: 4p15.32.
Variant type: single nucleotide variant.
Coding change: c.545C>G on transcript NM_000320.3 (MANE Select); coding-DNA position 545, C replaced by G.
Protein change: p.Pro182Arg; replaces proline 182 with arginine.
Molecular consequence: missense variant.
Genome position (GRCh38, 1-based): chr4:17,492,232, G>C on the plus strand (C>G on the coding strand, the complement: QDPR is on the minus strand). VCF-style: chr4-17492232-G-C. GRCh37 (hg19) VCF-style: chr4-17493855-G-C.
Other names: c.452C>G, p.Pro151Arg (NM_001306140.2); short protein forms P151R, P182R.
Identifiers: ClinVar variation 2584951 (VCV002584951.1), dbSNP rs1364780551, ClinGen allele CA356444678.
Genomic context (GRCh38, chr4:17,492,232, plus strand): 5'-ACGGTCACCTGCAGCAGTGGGGCAGAGGTGGGCAGCAGCCAGGGAACCCCAAGCACTTAC[G>C]GGAGCACAGCGATGGCGGCTGCCCCGGGCGGCATGCCGCTGTTCTTCCCAGCCAGGCTCT-3'
Protein context (NP_000311.2, residues 172-192): PPGAAAIAVL[Pro182Arg]VTLDTPMNRK

ClinVar aggregate classification (germline): Likely pathogenic (1 of 4 stars; one submission).

Conditions:
Dihydropteridine reductase deficiency (HPABH4C). Also called: DHPR DEFICIENCY; Hyperphenylalaninemia due to dihydropteridine reductase deficiency; Hyperphenylalaninemia, BH-4-deficient, C; Phenylketonuria type 2; BH4-Deficient Hyperphenylalaninemia C; HYPERPHENYLALANINEMIA, TETRAHYDROBIOPTERIN-DEFICIENT, DUE TO DHPR DEFICIENCY. Identifiers: Orphanet 226, Orphanet 238583, MedGen C0268465, MONDO:0009862, OMIM 261630.

gnomAD v4.1: 33 of 1,613,352 alleles (0.002%); highest among the groups gnomAD compares: Non-Finnish European, 0.0028%; no homozygotes.

Submission:

Neuberg Centre For Genomic Medicine, NCGM
Classification: Likely pathogenic for Dihydropteridine reductase deficiency. Review status: criteria provided, single submitter. Criteria: ACMG Guidelines, 2015. Collection method: clinical testing. Allele origin: germline. Inheritance: Autosomal recessive inheritance. Affected: yes.
Comment: The missense splice site junction variant c.545C>G (p.Pro182Arg) in QDPR gene has not been reported previously as a pathogenic variant nor as a benign variant, to our knowledge. The p.Pro182Arg variant is novel (not in any individuals) in gnomAD Exomes and 1000 Genomes. The amino acid Pro at position 182 is changed to a Arg changing protein sequence and it might alter its composition and physico-chemical properties. The amino acid change p.Pro182Arg in QDPR is predicted as conserved by GERP++ and PhyloP across 100 vertebrates. This variant is predicted to cause loss of normal protein function. Loss of function variants have been previously reported to be disease causing. For these reasons, this variant has been classified as Likely Pathogenic.